The following is an entry in ClinVar:

ClinVar aggregate classification (germline): Benign/Likely benign. Review status: criteria provided, multiple submitters, no conflicts (2 of 4 stars). 7 submissions from 7 submitters: Benign (5); Likely benign (2). Last evaluated 2026-06-03.

Conditions:
Ellis-van Creveld syndrome (EVC). Also called: Chondroectodermal dysplasia; MESOECTODERMAL DYSPLASIA. Identifiers: Orphanet 289, MedGen C0013903, MONDO:0009162, OMIM 225500.
Curry-Hall syndrome (WAD). Also called: WEYERS ACRODENTAL DYSOSTOSIS. Identifiers: Orphanet 952, MedGen C0457013, MONDO:0008673, OMIM 193530.

Allele frequency attached by ClinVar (database versions not stated): gnomAD exomes 0.00060 and 0.00130; ExAC 0.00169; gnomAD 0.00489 and 0.00513; TOPMed 0.00536; 1000 Genomes Project 30x 0.00609; 1000 Genomes Project 0.00619; ESP Exome Variant Server 0.00646.
gnomAD v4.1: 1,632 of 1,614,150 alleles (0.1%); highest among the groups gnomAD compares: African/African-American, 1.8%; 10 homozygotes.

Submissions (7):

Women's Health and Genetics/Laboratory Corporation of America, LabCorp
Classification: Likely benign. Last evaluated: 2026-06-03. Review status: criteria provided, single submitter. Criteria: LabCorp Variant Classification Summary - May 2015. Collection method: clinical testing. Allele origin: germline.
Comment: Variant summary: EVC2 c.2863C>T (p.Arg955Trp) results in a non-conservative amino acid change in the encoded protein sequence. Algorithms developed to predict the effect of missense changes on protein structure and function are either unavailable or do not agree on the potential impact of this missense change. The variant allele was found at a frequency of 0.0013 in 251394 control chromosomes, predominantly at a frequency of 0.018 within the African or African-American subpopulation in the gnomAD database, including 1 homozygotes. The observed variant frequency within African or African-American control individuals in the gnomAD database exceeds the estimated maximal expected allele frequency for disease-causing variants in EVC2. To our knowledge, no occurrence of c.2863C>T in individuals affected with EVC2-related conditions and no experimental evidence demonstrating its impact on protein function have been reported. ClinVar contains an entry for this variant (Variation ID: 707500). Based on the evidence outlined above, the variant was classified as likely benign.

Labcorp Genetics (formerly Invitae), Labcorp
Classification: Benign for Curry-Hall syndrome; Ellis-van Creveld syndrome. Last evaluated: 2026-01-28. Review status: criteria provided, single submitter. Criteria: Invitae Variant Classification Sherloc (09022015). Collection method: clinical testing. Allele origin: germline.

Blueprint Genetics
Classification: Likely benign. Last evaluated: 2024-10-24. Review status: criteria provided, single submitter. Criteria: ACMG Guidelines, 2015. Collection method: clinical testing. Allele origin: germline.

ARUP Laboratories, Molecular Genetics and Genomics, ARUP Laboratories
Classification: Benign. Last evaluated: 2024-02-14. Review status: criteria provided, single submitter. Criteria: ARUP Molecular Germline Variant Investigation Process 2024. Collection method: clinical testing. Allele origin: germline.

GeneDx
Classification: Benign. Last evaluated: 2019-01-22. Review status: criteria provided, single submitter. Criteria: GeneDx Variant Classification Process June 2021. Collection method: clinical testing. Allele origin: germline. Affected: yes.

Illumina Laboratory Services, Illumina
Classification: Benign for Ellis-van Creveld syndrome. Last evaluated: 2017-04-27. Review status: criteria provided, single submitter. Criteria: ICSL Variant Classification Criteria 13 December 2019. Collection method: clinical testing. Allele origin: germline.
Comment: This variant was observed as part of a predisposition screen in an ostensibly healthy population. A literature search was performed for the gene, cDNA change, and amino acid change (where applicable). No publications were found based on this search. Allele frequency data from public databases was too high to be consistent with this variant causing disease. Therefore, this variant is classified as benign.

Breakthrough Genomics
Classification: Benign. Review status: criteria provided, single submitter. Criteria: ACMG Guidelines, 2015. Collection method: not provided. Allele origin: germline. Inheritance: Autosomal recessive inheritance. Affected: yes.

NM_147127.5(EVC2):c.2863C>T (p.Arg955Trp)

Gene: EVC2 (EvC ciliary complex subunit 2; minus strand). Cytogenetic location: 4p16.2.
Variant type: single nucleotide variant.
Coding change: c.2863C>T on transcript NM_147127.5 (MANE Select); coding-DNA position 2863, C replaced by T.
Protein change: p.Arg955Trp; replaces arginine 955 with tryptophan.
Molecular consequence: missense variant.
Genome position (GRCh38, 1-based): chr4:5,584,817, G>A on the plus strand (C>T on the coding strand, the complement: EVC2 is on the minus strand). VCF-style: chr4-5584817-G-A. GRCh37 (hg19) VCF-style: chr4-5586544-G-A.
Other names: c.2623C>T, p.Arg875Trp (NM_001166136.2); short protein forms R875W, R955W.
Identifiers: ClinVar variation 707500 (VCV000707500.24), dbSNP rs116502852, ClinGen allele CA2834540.
Genomic context (GRCh38, chr4:5,584,817, plus strand): 5'-CCTTCTGGAACTGCAGAGCAACAAGCGACTGTGCAAAGCCTCCCTCCTGTGCCTCCATCC[G>A]CTGCACTCTCTCCCGCAGCAATTCACCTCGAACCTGGGAGGGGACAGGGATGGACCCAAA-3'
Protein context (NP_667338.3, residues 945-965): RGELLRERVQ[Arg955Trp]MEAQEGGFAQ